The following is an entry in ClinVar:

NM_001040142.2(SCN2A):c.1544G>C (p.Gly515Ala)

Gene: SCN2A (sodium voltage-gated channel alpha subunit 2; plus strand). Cytogenetic location: 2q24.3.
Variant type: single nucleotide variant.
Coding change: c.1544G>C on transcript NM_001040142.2 (MANE Select); coding-DNA position 1544, G replaced by C.
Protein change: p.Gly515Ala; replaces glycine 515 with alanine.
Molecular consequence: missense variant.
Genome position (GRCh38, 1-based): chr2:165,315,631, G>C. VCF-style: chr2-165315631-G-C. GRCh37 (hg19) VCF-style: chr2-166172141-G-C.
Other names: c.1544G>C, p.Gly515Ala (NM_001040143.2, NM_001371246.1, NM_001371247.1 and 1 more transcripts); short protein forms G515A.
Identifiers: ClinVar variation 2446132 (VCV002446132.2), dbSNP rs2467908991, ClinGen allele CA349023488.

ClinVar aggregate classification (germline): Uncertain significance (1 of 4 stars; one submission).

Submission:

GeneDx
Classification: Uncertain significance. Last evaluated: 2025-01-16. Review status: criteria provided, single submitter. Criteria: GeneDx Variant Classification Process June 2021. Collection method: clinical testing. Allele origin: germline.
Comment: Not observed at significant frequency in large population cohorts (gnomAD); In silico analysis indicates that this missense variant does not alter protein structure/function; This substitution is predicted to be in the cytoplasmic loop between the first and second homologous domains (GeneMb); Has not been previously published as pathogenic or benign to our knowledge